The following is an entry in ClinVar:

NM_001184.4(ATR):c.2925G>T (p.Leu975Phe)

Gene: ATR (ATR checkpoint kinase; minus strand). Cytogenetic location: 3q23.
Variant type: single nucleotide variant.
Coding change: c.2925G>T on transcript NM_001184.4 (MANE Select); coding-DNA position 2925, G replaced by T.
Protein change: p.Leu975Phe; replaces leucine 975 with phenylalanine.
Molecular consequence: missense variant.
Genome position (GRCh38, 1-based): chr3:142,550,183, C>A on the plus strand (G>T on the coding strand, the complement: ATR is on the minus strand). VCF-style: chr3-142550183-C-A. GRCh37 (hg19) VCF-style: chr3-142269025-C-A.
Other names: c.2733G>T, p.Leu911Phe (NM_001354579.2); c.2925G>T (NM_001184.3); short protein forms L911F, L975F.
Identifiers: ClinVar variation 2061191 (VCV002061191.5), dbSNP rs2473366711, ClinGen allele CA354812730.

ClinVar aggregate classification (germline): Uncertain significance. Review status: criteria provided, multiple submitters, no conflicts (2 of 4 stars). 2 submissions from 2 submitters: Uncertain significance (2). Last evaluated 2023-06-27.

Conditions:
Inborn genetic diseases. Identifiers: MedGen C0950123, MeSH D030342.

Allele frequency attached by ClinVar (database versions not stated): gnomAD exomes 0.00001.
gnomAD v4.1: 3 of 1,614,132 alleles (0.00019%); highest among the groups gnomAD compares: Non-Finnish European, 0.00025%; no homozygotes.

Submissions (2):

Labcorp Genetics (formerly Invitae), Labcorp
Classification: Uncertain significance. Last evaluated: 2023-06-27. Review status: criteria provided, single submitter. Criteria: Invitae Variant Classification Sherloc (09022015). Collection method: clinical testing. Allele origin: germline.
Comment: In summary, the available evidence is currently insufficient to determine the role of this variant in disease. Therefore, it has been classified as a Variant of Uncertain Significance. An algorithm developed to predict the effect of missense changes on protein structure and function (PolyPhen-2) suggests that this variant is likely to be disruptive. ClinVar contains an entry for this variant (Variation ID: 2061191). This variant has not been reported in the literature in individuals affected with ATR-related conditions. This variant is not present in population databases (gnomAD no frequency). This sequence change replaces leucine, which is neutral and non-polar, with phenylalanine, which is neutral and non-polar, at codon 975 of the ATR protein (p.Leu975Phe).

Ambry Genetics
Classification: Uncertain significance for Inborn genetic diseases. Last evaluated: 2023-03-08. Review status: criteria provided, single submitter. Criteria: Ambry Variant Classification Scheme 2023. Collection method: clinical testing. Allele origin: germline.
Comment: The p.L975F variant (also known as c.2925G>T), located in coding exon 14 of the ATR gene, results from a G to T substitution at nucleotide position 2925. The leucine at codon 975 is replaced by phenylalanine, an amino acid with highly similar properties. This amino acid position is conserved. In addition, the in silico prediction for this alteration is inconclusive. Since supporting evidence is limited at this time, the clinical significance of this alteration remains unclear.